The following is an entry in ClinVar:

NM_005253.4(FOSL2):c.236C>T (p.Ser79Leu)

Gene: FOSL2 (FOS like 2, AP-1 transcription factor subunit; plus strand). Cytogenetic location: 2p23.2.
Variant type: single nucleotide variant.
Coding change: c.236C>T on transcript NM_005253.4 (MANE Select); coding-DNA position 236, C replaced by T.
Protein change: p.Ser79Leu; replaces serine 79 with leucine.
Molecular consequence: missense variant.
Genome position (GRCh38, 1-based): chr2:28,404,240, C>T. VCF-style: chr2-28404240-C-T. GRCh37 (hg19) VCF-style: chr2-28627107-C-T.
Other names: c.236C>T (NM_005253.3); short protein forms S79L.
Identifiers: ClinVar variation 3895658 (VCV003895658.2).

ClinVar aggregate classification (germline): Conflicting classifications of pathogenicity. Review status: criteria provided, conflicting classifications (1 of 4 stars). 2 submissions from 2 submitters: Uncertain significance (1); Likely benign (1). Last evaluated 2025-09-28.

gnomAD v4.1: 75 of 1,614,092 alleles (0.0046%); highest among the groups gnomAD compares: South Asian, 0.0033%; 1 homozygote.

Submissions (2):

Ambry Genetics
Classification: Likely benign. Last evaluated: 2025-09-28. Review status: criteria provided, single submitter. Criteria: Ambry Variant Classification Scheme 2023. Collection method: clinical testing. Allele origin: germline.

Women's Health and Genetics/Laboratory Corporation of America, LabCorp
Classification: Uncertain significance. Last evaluated: 2025-03-14. Review status: criteria provided, single submitter. Criteria: LabCorp Variant Classification Summary - May 2015. Collection method: clinical testing. Allele origin: germline.
Comment: Variant summary: FOSL2 c.236C>T (p.Ser79Leu) results in a non-conservative amino acid change in the encoded protein sequence. Three of five in-silico tools predict a benign effect of the variant on protein function. The variant allele was found at a frequency of 0.00011 in 251448 control chromosomes in the gnomAD database, including 1 homozygotes. This frequency is not significantly higher than estimated for a pathogenic variant in FOSL2 causing Aplasia Cutis-Enamel Dysplasia Syndrome, allowing no conclusion about variant significance. To our knowledge, no occurrence of c.236C>T in individuals affected with Aplasia Cutis-Enamel Dysplasia Syndrome and no experimental evidence demonstrating its impact on protein function have been reported. No submitters have cited clinical-significance assessments for this variant to ClinVar. Based on the evidence outlined above, the variant was classified as uncertain significance.